The following is an entry in ClinVar:

NM_000092.5(COL4A4):c.3312del (p.Glu1104fs)

Gene: COL4A4 (collagen type IV alpha 4 chain; minus strand). Cytogenetic location: 2q36.3.
Variant type: Deletion.
Coding change: c.3312del on transcript NM_000092.5 (MANE Select); coding-DNA position 3312, one base deleted (G; older notation c.3312delG).
Protein change: p.Glu1104fs; shifts the reading frame from glutamic acid 1104.
Molecular consequence: frameshift variant.
Genome position (GRCh38, 1-based): chr2:227,043,162, C deleted on the plus strand (G on the coding strand, the reverse complement: COL4A4 is on the minus strand). VCF-style (leftmost placement, unchanged base first): chr2-227043161-GC-G. GRCh37 (hg19) VCF-style: chr2-227907877-GC-G.
Other names: short protein forms E1104fs.
Identifiers: ClinVar variation 2852180 (VCV002852180.4), dbSNP rs2473719440, ClinGen allele CA2739278180.

ClinVar aggregate classification (germline): Pathogenic/Likely pathogenic. Review status: criteria provided, multiple submitters, no conflicts (2 of 4 stars). 2 submissions from 2 submitters: Pathogenic (1); Likely pathogenic (1). Last evaluated 2024-05-30.

Conditions:
Autosomal recessive Alport syndrome (ATS2). Also called: COL4A4 Alport Syndrome and Thin Basement Membrane Nephropathy; ALPORT SYNDROME 2, AUTOSOMAL RECESSIVE; COL4A3-Related Nephropathy; Alport syndrome type 2. Identifiers: Orphanet 63, Orphanet 88919, MedGen C4746745, MONDO:0008762, OMIM 203780.
Hematuria, benign familial, 1 (BFH1). Also called: THIN MEMBRANE NEPHROPATHY. Identifiers: MedGen CN376803, MONDO:0007709, OMIM 141200.

Submissions (2):

Fulgent Genetics
Classification: Likely pathogenic for Hematuria, benign familial, 1; Autosomal recessive Alport syndrome. Last evaluated: 2024-05-30. Review status: criteria provided, single submitter. Criteria: ACMG Guidelines, 2015. Collection method: clinical testing. Allele origin: germline.

Labcorp Genetics (formerly Invitae), Labcorp
Classification: Pathogenic. Last evaluated: 2023-04-06. Review status: criteria provided, single submitter. Criteria: Invitae Variant Classification Sherloc (09022015). Collection method: clinical testing. Allele origin: germline.
Comment: For these reasons, this variant has been classified as Pathogenic. This variant has not been reported in the literature in individuals affected with COL4A4-related conditions. This variant is not present in population databases (gnomAD no frequency). This sequence change creates a premature translational stop signal (p.Glu1104Aspfs*37) in the COL4A4 gene. It is expected to result in an absent or disrupted protein product. Loss-of-function variants in COL4A4 are known to be pathogenic (PMID: 21196518, 24854265, 25307543).

Literature cited by the submitters: PubMed 21196518 (cited by Labcorp Genetics (formerly Invitae), Labcorp); PubMed 24854265 (cited by Labcorp Genetics (formerly Invitae), Labcorp); PubMed 25307543 (cited by Labcorp Genetics (formerly Invitae), Labcorp).